The following is an entry in ClinVar:

NM_001077365.2(POMT1):c.1990G>A (p.Asp664Asn)

Gene: POMT1 (protein O-mannosyltransferase 1; plus strand). Cytogenetic location: 9q34.13.
Variant type: single nucleotide variant.
Coding change: c.1990G>A on transcript NM_001077365.2 (MANE Select); coding-DNA position 1990, G replaced by A.
Protein change: p.Asp664Asn; replaces aspartic acid 664 with asparagine.
Molecular consequence: missense variant. On other transcripts: non-coding transcript variant (10).
Genome position (GRCh38, 1-based): chr9:131,522,211, G>A. VCF-style: chr9-131522211-G-A. GRCh37 (hg19) VCF-style: chr9-134397598-G-A.
Other names: c.1828G>A, p.Asp610Asn (NM_001077366.2, NM_001353194.2); c.1990G>A, p.Asp664Asn (NM_001136113.2); c.1639G>A, p.Asp547Asn (NM_001136114.2, NM_001353195.2, NM_001374691.1 and 2 more transcripts); c.2056G>A, p.Asp686Asn (NM_001353193.2, NM_007171.4); c.1900G>A, p.Asp634Asn (NM_001353196.2); c.1894G>A, p.Asp632Asn (NM_001353197.2, NM_001353198.2); c.1705G>A, p.Asp569Asn (NM_001353199.2); c.1534G>A, p.Asp512Asn (NM_001353200.2); and 3 more; short protein forms D534N, D632N, D664N, D610N, D512N, D547N, D569N, D591N.
Identifiers: ClinVar variation 1439247 (VCV001439247.7), dbSNP rs145635821, ClinGen allele CA5293888.
Genomic context (GRCh38, chr9:131,522,211, plus strand): 5'-TACCTGCCCGCACTCACCTTCCAAATCCTTCTGCTCCCTGTGGTCCTGCAGCACATCAGC[G>A]ACCACCTGTGCAGGTACGGGGGCTGCGGAGACAGTGGCTGGACCGGGCAGCAGCCCTCTG-3'
Protein context (NP_001070833.1, residues 654-674): LLPVVLQHIS[Asp664Asn]HLCRSQLQRS

ClinVar aggregate classification (germline): Uncertain significance (1 of 4 stars; one submission).

Conditions:
Walker-Warburg congenital muscular dystrophy. Also called: Muscular dystrophy-dystroglycanopathy, type A; Walker-Warburg syndrome. Identifiers: Orphanet 899, MedGen C0265221, MONDO:0000171.
Autosomal recessive limb-girdle muscular dystrophy type 2K. Also called: MUSCULAR DYSTROPHY-DYSTROGLYCANOPATHY (LIMB-GIRDLE), TYPE C, 1; MUSCULAR DYSTROPHY, LIMB-GIRDLE, TYPE 2K. Identifiers: Orphanet 86812, MedGen C1836373, MONDO:0012248, OMIM 609308.
Muscular dystrophy-dystroglycanopathy (congenital with impaired intellectual development), type B, 1. Also called: Muscular dystrophy-dystroglycanopathy (congenital with intellectual disability), type B1; MUSCULAR DYSTROPHY, CONGENITAL, POMT1-RELATED. Identifiers: MedGen C5436962, MONDO:0013159, OMIM 613155.

Allele frequency attached by ClinVar (database versions not stated): ExAC 0.00002; gnomAD 0.00004 and 0.00003; gnomAD exomes 0.00002; TOPMed 0.00003; ESP Exome Variant Server 0.00015.

Submission:

Labcorp Genetics (formerly Invitae), Labcorp
Classification: Uncertain significance for Muscular dystrophy-dystroglycanopathy (congenital with impaired intellectual development), type B, 1; Walker-Warburg congenital muscular dystrophy; Autosomal recessive limb-girdle muscular dystrophy type 2K. Last evaluated: 2021-09-01. Review status: criteria provided, single submitter. Criteria: Invitae Variant Classification Sherloc (09022015). Collection method: clinical testing. Allele origin: germline.
Comment: This sequence change replaces aspartic acid with asparagine at codon 686 of the POMT1 protein (p.Asp686Asn). The aspartic acid residue is moderately conserved and there is a small physicochemical difference between aspartic acid and asparagine. This variant is present in population databases (rs145635821, ExAC 0.005%). This variant has not been reported in the literature in individuals affected with POMT1-related conditions. Algorithms developed to predict the effect of missense changes on protein structure and function (SIFT, PolyPhen-2, Align-GVGD) all suggest that this variant is likely to be tolerated. In summary, the available evidence is currently insufficient to determine the role of this variant in disease. Therefore, it has been classified as a Variant of Uncertain Significance.